The following is an entry in ClinVar:

ClinVar aggregate classification (germline): Uncertain significance (1 of 4 stars; one submission).

Submission:

GeneDx
Classification: Uncertain significance. Last evaluated: 2024-04-02. Review status: criteria provided, single submitter. Criteria: GeneDx Variant Classification Process June 2021. Collection method: clinical testing. Allele origin: germline. Affected: yes.
Comment: Not observed in large population cohorts (gnomAD); In silico analysis supports that this missense variant has a deleterious effect on protein structure/function; Has not been previously published as pathogenic or benign to our knowledge

NM_000744.7(CHRNA4):c.719G>C (p.Arg240Pro)

Gene: CHRNA4 (cholinergic receptor nicotinic alpha 4 subunit; minus strand). Cytogenetic location: 20q13.33.
Variant type: single nucleotide variant.
Coding change: c.719G>C on transcript NM_000744.7 (MANE Select); coding-DNA position 719, G replaced by C.
Protein change: p.Arg240Pro; replaces arginine 240 with proline.
Molecular consequence: missense variant. On other transcripts: non-coding transcript variant (1).
Genome position (GRCh38, 1-based): chr20:63,350,692, C>G on the plus strand (G>C on the coding strand, the complement: CHRNA4 is on the minus strand). VCF-style: chr20-63350692-C-G. GRCh37 (hg19) VCF-style: chr20-61982044-C-G.
Other names: c.191G>C, p.Arg64Pro (NM_001256573.2); short protein forms R240P, R64P.
Identifiers: ClinVar variation 3361407 (VCV003361407.1).